The following is an entry in ClinVar:

NM_002103.5(GYS1):c.1879G>A (p.Glu627Lys)

Gene: GYS1 (glycogen synthase 1; minus strand). Cytogenetic location: 19q13.33.
Variant type: single nucleotide variant.
Coding change: c.1879G>A on transcript NM_002103.5 (MANE Select); coding-DNA position 1879, G replaced by A.
Protein change: p.Glu627Lys; replaces glutamic acid 627 with lysine.
Molecular consequence: missense variant. On other transcripts: non-coding transcript variant (1).
Genome position (GRCh38, 1-based): chr19:48,969,786, C>T on the plus strand (G>A on the coding strand, the complement: GYS1 is on the minus strand). VCF-style: chr19-48969786-C-T. GRCh37 (hg19) VCF-style: chr19-49473043-C-T.
Other names: c.1687G>A, p.Glu563Lys (NM_001161587.2); short protein forms E627K, E563K.
Identifiers: ClinVar variation 576955 (VCV000576955.9), dbSNP rs962330001, ClinGen allele CA9562756.

ClinVar aggregate classification (germline): Uncertain significance. Review status: criteria provided, multiple submitters, no conflicts (2 of 4 stars). 2 submissions from 2 submitters: Uncertain significance (2). Last evaluated 2022-05-13.

Conditions:
Glycogen storage disease due to muscle and heart glycogen synthase deficiency. Also called: GSD 0b; MUSCLE GLYCOGEN SYNTHASE DEFICIENCY. Identifiers: Orphanet 137625, MedGen C1969054, MONDO:0012693, OMIM 611556.
Inborn genetic diseases. Identifiers: MedGen C0950123, MeSH D030342.

Allele frequency attached by ClinVar (database versions not stated): gnomAD exomes 0.00001; ExAC 0.00002; gnomAD 0.00005; TOPMed 0.00008.
gnomAD v4.1: 23 of 1,613,838 alleles (0.0014%); highest among the groups gnomAD compares: African/African-American, 0.015%; no homozygotes.

Submissions (2):

Ambry Genetics
Classification: Uncertain significance for Inborn genetic diseases. Last evaluated: 2022-05-13. Review status: criteria provided, single submitter. Criteria: Ambry Variant Classification Scheme 2023. Collection method: clinical testing. Allele origin: germline.

Labcorp Genetics (formerly Invitae), Labcorp
Classification: Uncertain significance for Glycogen storage disease due to muscle and heart glycogen synthase deficiency. Last evaluated: 2018-06-29. Review status: criteria provided, single submitter. Criteria: Invitae Variant Classification Sherloc (09022015). Collection method: clinical testing. Allele origin: germline.
Comment: In summary, the available evidence is currently insufficient to determine the role of this variant in disease. Therefore, it has been classified as a Variant of Uncertain Significance. Algorithms developed to predict the effect of missense changes on protein structure and function (SIFT, PolyPhen-2, Align-GVGD) all suggest that this variant is likely to be tolerated, but these predictions have not been confirmed by published functional studies and their clinical significance is uncertain. This variant has not been reported in the literature in individuals with GYS1-related disease. This variant is present in population databases (rs781319296, ExAC 0.03%). This sequence change replaces glutamic acid with lysine at codon 627 of the GYS1 protein (p.Glu627Lys). The glutamic acid residue is moderately conserved and there is a small physicochemical difference between glutamic acid and lysine.